The following is an entry in ClinVar:

NM_000040.3(APOC3):c.274A>G (p.Arg92Gly)

Gene: APOC3 (apolipoprotein C3; plus strand). Cytogenetic location: 11q23.3.
Variant type: single nucleotide variant.
Coding change: c.274A>G on transcript NM_000040.3 (MANE Select); coding-DNA position 274, A replaced by G.
Protein change: p.Arg92Gly; replaces arginine 92 with glycine.
Molecular consequence: missense variant.
Genome position (GRCh38, 1-based): chr11:116,832,858, A>G. VCF-style: chr11-116832858-A-G. GRCh37 (hg19) VCF-style: chr11-116703574-A-G.
Other names: short protein forms R92G.
Identifiers: ClinVar variation 4708295 (VCV004708295.1).

ClinVar aggregate classification (germline): Uncertain significance (1 of 4 stars; one submission).

Submission:

Labcorp Genetics (formerly Invitae), Labcorp
Classification: Uncertain significance. Last evaluated: 2025-11-03. Review status: criteria provided, single submitter. Criteria: Invitae Variant Classification Sherloc (09022015). Collection method: clinical testing. Allele origin: germline.
Comment: This sequence change replaces arginine, which is basic and polar, with glycine, which is neutral and non-polar, at codon 92 of the APOC3 protein (p.Arg92Gly). This variant is present in population databases (no rsID available, gnomAD 0.002%). This variant has not been reported in the literature in individuals affected with APOC3-related conditions. An algorithm developed to predict the effect of missense changes on protein structure and function outputs the following: PolyPhen-2: "Benign". The glycine amino acid residue is found in multiple mammalian species, which suggests that this missense change does not adversely affect protein function. In summary, the available evidence is currently insufficient to determine the role of this variant in disease. Therefore, it has been classified as a Variant of Uncertain Significance.